The following is an entry in ClinVar:

NM_001273.5(CHD4):c.1622G>A (p.Arg541Gln)

Gene: CHD4 (chromodomain helicase DNA binding protein 4; minus strand). Cytogenetic location: 12p13.31.
Variant type: single nucleotide variant.
Coding change: c.1622G>A on transcript NM_001273.5 (MANE Select); coding-DNA position 1622, G replaced by A.
Protein change: p.Arg541Gln; replaces arginine 541 with glutamine.
Molecular consequence: missense variant.
Genome position (GRCh38, 1-based): chr12:6,598,286, C>T on the plus strand (G>A on the coding strand, the complement: CHD4 is on the minus strand). VCF-style: chr12-6598286-C-T. GRCh37 (hg19) VCF-style: chr12-6707452-C-T.
Other names: c.1601G>A, p.Arg534Gln (NM_001297553.2); c.1583G>A, p.Arg528Gln (NM_001363606.2); short protein forms R528Q, R534Q, R541Q.
Identifiers: ClinVar variation 3573589 (VCV003573589.2).

ClinVar aggregate classification (germline): Uncertain significance (1 of 4 stars; one submission).

Submission:

GeneDx
Classification: Uncertain significance. Last evaluated: 2025-10-13. Review status: criteria provided, single submitter. Criteria: GeneDx Variant Classification Process June 2021. Collection method: clinical testing. Allele origin: germline.
Comment: Not observed at significant frequency in large population cohorts (gnomAD); In silico analysis supports that this missense variant has a deleterious effect on protein structure/function; Has not been previously published as pathogenic or benign to our knowledge